The following is an entry in ClinVar:

NM_000051.4(ATM):c.9005T>A (p.Phe3002Tyr)

Genes: ATM (ATM serine/threonine kinase; plus strand), C11orf65 (chromosome 11 open reading frame 65; minus strand). Cytogenetic location: 11q22.3.
Variant type: single nucleotide variant.
Coding change: c.9005T>A on transcript NM_000051.4 (MANE Select); coding-DNA position 9005, T replaced by A.
Protein change: p.Phe3002Tyr; replaces phenylalanine 3002 with tyrosine.
Molecular consequence: missense variant. On other transcripts: intron variant (2).
Genome position (GRCh38, 1-based): chr11:108,365,342, T>A. VCF-style: chr11-108365342-T-A. GRCh37 (hg19) VCF-style: chr11-108236069-T-A.
Other names: c.9005T>A, p.Phe3002Tyr (NM_001351834.2); c.640+20578A>T (NM_001330368.2); c.694+20578A>T (NM_001351110.2); short protein forms F3002Y.
Identifiers: ClinVar variation 568586 (VCV000568586.9), dbSNP rs1565608780, ClinGen allele CA382530898.

ClinVar aggregate classification (germline): Uncertain significance (1 of 4 stars; one submission).

Conditions:
Ataxia-telangiectasia syndrome (AT). Also called: Cerebello-oculocutaneous telangiectasia; Immunodeficiency with ataxia telangiectasia; Ataxia-telangiectasia, complementation group E; Ataxia-telangiectasia, complementation group D; AT, COMPLEMENTATION GROUP C; ATAXIA-TELANGIECTASIA, COMPLEMENTATION GROUP A. Identifiers: Orphanet 100, MedGen C0004135, MONDO:0008840, OMIM 208900.

Submission:

Labcorp Genetics (formerly Invitae), Labcorp
Classification: Uncertain significance for Ataxia-telangiectasia syndrome. Last evaluated: 2021-04-09. Review status: criteria provided, single submitter. Criteria: Invitae Variant Classification Sherloc (09022015). Collection method: clinical testing. Allele origin: germline.
Comment: In summary, the available evidence is currently insufficient to determine the role of this variant in disease. Therefore, it has been classified as a Variant of Uncertain Significance. Algorithms developed to predict the effect of missense changes on protein structure and function (SIFT, PolyPhen-2, Align-GVGD) all suggest that this variant is likely to be tolerated, but these predictions have not been confirmed by published functional studies and their clinical significance is uncertain. This variant has not been reported in the literature in individuals with ATM-related disease. This variant is not present in population databases (ExAC no frequency). This sequence change replaces phenylalanine with tyrosine at codon 3002 of the ATM protein (p.Phe3002Tyr). The phenylalanine residue is moderately conserved and there is a small physicochemical difference between phenylalanine and tyrosine.